The following is an entry in ClinVar:

NM_014679.5(CEP57):c.25G>A (p.Ala9Thr)

Genes: CEP57 (centrosomal protein 57; plus strand), LOC130006618 (ATAC-STARR-seq lymphoblastoid active region 5417; plus strand). Cytogenetic location: 11q21.
Variant type: single nucleotide variant.
Coding change: c.25G>A on transcript NM_014679.5 (MANE Select); coding-DNA position 25, G replaced by A.
Protein change: p.Ala9Thr; replaces alanine 9 with threonine.
Molecular consequence: missense variant. On other transcripts: 5 prime UTR variant (2).
Genome position (GRCh38, 1-based): chr11:95,790,723, G>A. VCF-style: chr11-95790723-G-A. GRCh37 (hg19) VCF-style: chr11-95523887-G-A.
Other names: c.-47G>A (NM_001243776.2); c.25G>A, p.Ala9Thr (NM_001243777.2); c.-370G>A (NM_001363604.2); short protein forms A9T.
Identifiers: ClinVar variation 642617 (VCV000642617.11), dbSNP rs150749300, ClinGen allele CA6239301.

ClinVar aggregate classification (germline): Conflicting classifications of pathogenicity. Review status: criteria provided, conflicting classifications (1 of 4 stars). 2 submissions from 2 submitters: Uncertain significance (1); Likely benign (1). Last evaluated 2025-09-27.

Conditions:
Inborn genetic diseases. Identifiers: MedGen C0950123, MeSH D030342.
Mosaic variegated aneuploidy syndrome 2 (MVA2). Identifiers: Orphanet 1052, MedGen C3279843, MONDO:0013582, OMIM 614114.

Allele frequency attached by ClinVar (database versions not stated): TOPMed 0.00015; gnomAD 0.00016 and 0.00015; gnomAD exomes 0.00016 and 0.00029; ExAC 0.00018; ESP Exome Variant Server 0.00054.
gnomAD v4.1: 442 of 1,613,980 alleles (0.027%); highest among the groups gnomAD compares: Non-Finnish European, 0.036%; no homozygotes.

Submissions (2):

Labcorp Genetics (formerly Invitae), Labcorp
Classification: Uncertain significance for Mosaic variegated aneuploidy syndrome 2. Last evaluated: 2025-09-27. Review status: criteria provided, single submitter. Criteria: Invitae Variant Classification Sherloc (09022015). Collection method: clinical testing. Allele origin: germline.
Comment: This sequence change replaces alanine, which is neutral and non-polar, with threonine, which is neutral and polar, at codon 9 of the CEP57 protein (p.Ala9Thr). This variant is present in population databases (rs150749300, gnomAD 0.03%). This variant has not been reported in the literature in individuals affected with CEP57-related conditions. ClinVar contains an entry for this variant (Variation ID: 642617). An algorithm developed to predict the effect of missense changes on protein structure and function outputs the following: PolyPhen-2: "Not Available". The threonine amino acid residue is found in multiple mammalian species, which suggests that this missense change does not adversely affect protein function. In summary, the available evidence is currently insufficient to determine the role of this variant in disease. Therefore, it has been classified as a Variant of Uncertain Significance.

Ambry Genetics
Classification: Likely benign for Inborn genetic diseases. Last evaluated: 2024-10-15. Review status: criteria provided, single submitter. Criteria: Ambry Variant Classification Scheme 2023. Collection method: clinical testing. Allele origin: germline.